The following is an entry in ClinVar:

NM_004239.4(TRIP11):c.1972C>G (p.Leu658Val)

Gene: TRIP11 (thyroid hormone receptor interactor 11; minus strand). Cytogenetic location: 14q32.12.
Variant type: single nucleotide variant.
Coding change: c.1972C>G on transcript NM_004239.4 (MANE Select); coding-DNA position 1972, C replaced by G.
Protein change: p.Leu658Val; replaces leucine 658 with valine.
Molecular consequence: missense variant.
Genome position (GRCh38, 1-based): chr14:92,006,004, G>C on the plus strand (C>G on the coding strand, the complement: TRIP11 is on the minus strand). VCF-style: chr14-92006004-G-C. GRCh37 (hg19) VCF-style: chr14-92472348-G-C.
Other names: c.1969C>G, p.Leu657Val (NM_001321851.1); short protein forms L657V, L658V.
Identifiers: ClinVar variation 3774760 (VCV003774760.1).

ClinVar aggregate classification (germline): Uncertain significance (1 of 4 stars; one submission).

Submission:

GeneDx
Classification: Uncertain significance. Last evaluated: 2024-09-26. Review status: criteria provided, single submitter. Criteria: GeneDx Variant Classification Process June 2021. Collection method: clinical testing. Allele origin: germline. Affected: yes.
Comment: Not observed at significant frequency in large population cohorts (gnomAD); In silico analysis indicates that this missense variant does not alter protein structure/function; Has not been previously published as pathogenic or benign to our knowledge